The following is an entry in ClinVar:

ClinVar aggregate classification (germline): Pathogenic/Likely pathogenic. Review status: criteria provided, multiple submitters, no conflicts (2 of 4 stars). 8 submissions from 7 submitters: Pathogenic (5); Likely pathogenic (1). 2 of the submissions do not count toward it. Last evaluated 2024-11-21.

Conditions:
DCX-related disorder. Also called: DCX-related condition; DCX-Related Disorders. Identifiers: MedGen CN381525.
Lissencephaly type 1 due to doublecortin gene mutation. Also called: LISSENCEPHALY, X-LINKED, 1; LISSENCEPHALY AND AGENESIS OF CORPUS CALLOSUM. Identifiers: Orphanet 2148, MedGen C4551968, MONDO:0010239, OMIM 300067.
Subcortical laminar heterotopia, X-linked (SCLH). Also called: Subcortical laminal heterotopia, X-linked. Identifiers: MedGen C1848070.
Ectopic tissue. Also called: Heterotopia. Identifiers: MedGen C0008519.

Submissions (8):

Labcorp Genetics (formerly Invitae), Labcorp
Classification: Pathogenic. Last evaluated: 2024-11-21. Review status: criteria provided, single submitter. Criteria: Invitae Variant Classification Sherloc (09022015). Collection method: clinical testing. Allele origin: germline.
Comment: This sequence change replaces arginine, which is basic and polar, with tryptophan, which is neutral and slightly polar, at codon 192 of the DCX protein (p.Arg192Trp). This variant is not present in population databases (gnomAD no frequency). This missense change has been observed in individuals with clinical features of DCX-related conditions (PMID: 9489699, 9489700, 9618162, 11175293, 17111359, 18685874; internal data). It has also been observed to segregate with disease in related individuals. ClinVar contains an entry for this variant (Variation ID: 11598). Invitae Evidence Modeling of protein sequence and biophysical properties (such as structural, functional, and spatial information, amino acid conservation, physicochemical variation, residue mobility, and thermodynamic stability) indicates that this missense variant is expected to disrupt DCX protein function with a positive predictive value of 80%. For these reasons, this variant has been classified as Pathogenic.

3billion
Classification: Likely pathogenic for Lissencephaly type 1 due to doublecortin gene mutation. Last evaluated: 2024-10-12. Review status: criteria provided, single submitter. Criteria: ACMG Guidelines, 2015. Collection method: clinical testing. Allele origin: germline. Affected: yes.
Comment: The variant is not observed in the gnomAD v4.1.0 dataset. Predicted Consequence/Location: Missense variant In silico tool predictions suggest damaging effect of the variant on gene or gene product [REVEL: 0.82 (>=0.6, sensitivity 0.68 and specificity 0.92); 3Cnet: 1.00 (>=0.6, sensitivity 0.72 and precision 0.9)]. The same nucleotide change resulting in the same amino acid change has been previously reported as pathogenic/likely pathogenic with strong evidence (ClinVar ID: VCV000011598 /PMID: 9489699). Therefore, this variant is classified as Likely pathogenic according to the recommendation of ACMG/AMP guideline.

GeneDx
Classification: Pathogenic. Last evaluated: 2023-09-13. Review status: criteria provided, single submitter. Criteria: GeneDx Variant Classification Process June 2021. Collection method: clinical testing. Allele origin: germline. Affected: yes.
Comment: Published functional studies demonstrate a damaging effect and show that this variant impairs the interaction of the DCX gene with microtubules and leads to defects in cortical neuronal migration (Taylor et al., 2000); In silico analysis supports that this missense variant has a deleterious effect on protein structure/function; Not observed at significant frequency in large population cohorts (gnomAD); This variant is associated with the following publications: (PMID: 11175293, 10749977, 11001923, 19416314, 18685874, 12692530, 25868952, 12820024, 15607950, 9489700, 15045646, 9489699, 10946000, 23365099)

Blueprint Genetics
Classification: Pathogenic for DCX-related disorders. Last evaluated: 2020-10-14. Review status: criteria provided, single submitter. Criteria: ACMG Guidelines, 2015. Collection method: clinical testing. Allele origin: germline. Affected: yes. Observed: 2 variant alleles.

Genetic Services Laboratory, University of Chicago
Classification: Pathogenic for Abnormality of neuronal migration. Last evaluated: 2013-02-08. Review status: criteria provided, single submitter. Criteria: ACMG Guidelines, 2007. Collection method: clinical testing. Allele origin: germline. Inheritance: Autosomal dominant inheritance. Affected: yes.

Clinical Genetics Service, Universitary Hospital 12 de Octubre
Classification: Pathogenic for Lissencephaly type 1 due to doublecortin gene mutation. Review status: criteria provided, single submitter. Criteria: ACMG Guidelines, 2015. Collection method: clinical testing. Allele origin: germline. Affected: yes.

OMIM
Classification: Pathogenic for LISSENCEPHALY, X-LINKED, 1. Last evaluated: 1998-01-09. Review status: no assertion criteria provided. Collection method: literature only. Allele origin: germline. Not counted in ClinVar's aggregate classification.

OMIM
Classification: Pathogenic for SUBCORTICAL LAMINAR HETEROTOPIA, X-LINKED. Last evaluated: 1998-01-09. Review status: no assertion criteria provided. Collection method: literature only. Allele origin: germline. Not counted in ClinVar's aggregate classification.

Literature cited by the submitters: PubMed 9489699 (cited by 3 submitters); PubMed 9489700 (cited by Labcorp Genetics (formerly Invitae), Labcorp and OMIM); PubMed 9618162 (cited by Labcorp Genetics (formerly Invitae), Labcorp); PubMed 11175293 (cited by Labcorp Genetics (formerly Invitae), Labcorp); PubMed 17111359 (cited by Labcorp Genetics (formerly Invitae), Labcorp); PubMed 18685874 (cited by Labcorp Genetics (formerly Invitae), Labcorp).

NM_001195553.2(DCX):c.574C>T (p.Arg192Trp)

Gene: DCX (doublecortin; minus strand). Cytogenetic location: Xq23.
Variant type: single nucleotide variant.
Coding change: c.574C>T on transcript NM_001195553.2 (MANE Select); coding-DNA position 574, C replaced by T.
Protein change: p.Arg192Trp; replaces arginine 192 with tryptophan.
Molecular consequence: missense variant.
Genome position (GRCh38, 1-based): chrX:111,401,121, G>A on the plus strand (C>T on the coding strand, the complement: DCX is on the minus strand). VCF-style: chrX-111401121-G-A. GRCh37 (hg19) VCF-style: chrX-110644349-G-A.
Other names: c.817C>T, p.Arg273Trp (NM_000555.3); c.574C>T, p.Arg192Trp (NM_001369370.1, NM_001369371.1, NM_001369372.1 and 5 more transcripts); short protein forms R192W, R273W.
Identifiers: ClinVar variation 11598 (VCV000011598.17), dbSNP rs104894780, ClinGen allele CA121591.